The following is an entry in ClinVar:

ClinVar aggregate classification (germline): Uncertain significance (1 of 4 stars; one submission).

Conditions:
Jeune thoracic dystrophy. Also called: Jeune syndrome; Infantile thoracic dystrophy; Thoracic pelvic phalangeal dystrophy; Jeune's syndrome; Chondroectodermal dysplasia-like syndrome; Short-rib thoracic dysplasia. Identifiers: Orphanet 474, MedGen C0265275, MONDO:0018770.

Submission:

Labcorp Genetics (formerly Invitae), Labcorp
Classification: Uncertain significance for Jeune thoracic dystrophy. Last evaluated: 2022-02-05. Review status: criteria provided, single submitter. Criteria: Invitae Variant Classification Sherloc (09022015). Collection method: clinical testing. Allele origin: germline.
Comment: In summary, the available evidence is currently insufficient to determine the role of this variant in disease. Therefore, it has been classified as a Variant of Uncertain Significance. Advanced modeling of protein sequence and biophysical properties (such as structural, functional, and spatial information, amino acid conservation, physicochemical variation, residue mobility, and thermodynamic stability) performed at Invitae indicates that this missense variant is not expected to disrupt DYNC2H1 protein function. This variant has not been reported in the literature in individuals affected with DYNC2H1-related conditions. This variant is not present in population databases (gnomAD no frequency). This sequence change replaces lysine, which is basic and polar, with glutamic acid, which is acidic and polar, at codon 3541 of the DYNC2H1 protein (p.Lys3541Glu).

NM_001377.3(DYNC2H1):c.10600A>G (p.Lys3534Glu)

Gene: DYNC2H1 (dynein cytoplasmic 2 heavy chain 1; plus strand). Cytogenetic location: 11q22.3.
Variant type: single nucleotide variant.
Coding change: c.10600A>G on transcript NM_001377.3 (MANE Select); coding-DNA position 10600, A replaced by G.
Protein change: p.Lys3534Glu; replaces lysine 3534 with glutamic acid.
Molecular consequence: missense variant.
Genome position (GRCh38, 1-based): chr11:103,257,746, A>G. VCF-style: chr11-103257746-A-G. GRCh37 (hg19) VCF-style: chr11-103128475-A-G.
Other names: c.10621A>G, p.Lys3541Glu (NM_001080463.2); short protein forms K3534E, K3541E.
Identifiers: ClinVar variation 2093376 (VCV002093376.4), dbSNP rs750603761, ClinGen allele CA382251221.